The following is an entry in ClinVar:

NM_003742.4(ABCB11):c.1095T>G (p.Ser365Arg)

Gene: ABCB11 (ATP binding cassette subfamily B member 11; minus strand). Cytogenetic location: 2q31.1.
Variant type: single nucleotide variant.
Coding change: c.1095T>G on transcript NM_003742.4 (MANE Select); coding-DNA position 1095, T replaced by G.
Protein change: p.Ser365Arg; replaces serine 365 with arginine.
Molecular consequence: missense variant.
Genome position (GRCh38, 1-based): chr2:168,979,968, A>C on the plus strand (T>G on the coding strand, the complement: ABCB11 is on the minus strand). VCF-style: chr2-168979968-A-C. GRCh37 (hg19) VCF-style: chr2-169836478-A-C.
Other names: short protein forms S365R.
Identifiers: ClinVar variation 4856326 (VCV004856326.1).

ClinVar aggregate classification (germline): Uncertain significance (1 of 4 stars; one submission).

Conditions:
Benign recurrent intrahepatic cholestasis type 2 (BRIC2). Also called: Recurrent familial intrahepatic cholestasis 2. Identifiers: Orphanet 65682, Orphanet 99961, MedGen C2608083, MONDO:0011559, OMIM 605479.

Submission:

3billion
Classification: Uncertain significance for Benign recurrent intrahepatic cholestasis type 2. Last evaluated: 2025-05-29. Review status: criteria provided, single submitter. Criteria: ACMG Guidelines, 2015. Collection method: clinical testing. Allele origin: germline. Affected: yes.
Comment: The variant is not observed in the gnomAD v4.1.0 dataset. Predicted Consequence/Location: Missense variant Damaging effect on gene or gene product predicted by in silico programs is uncertain [REVEL: 0.57 (damaging >=0.6, benign <0.4), 3Cnet: 0.06 (damaging >0.75, benign <0.1)]. Therefore, this variant is classified as VUS according to the recommendation of ACMG/AMP guideline.